The following is an entry in ClinVar:

ClinVar aggregate classification (germline): Uncertain significance (1 of 4 stars; one submission).

Conditions:
Wolfram-like syndrome. Also called: HEARING LOSS, PROGRESSIVE, WITH OPTIC ATROPHY AND/OR IMPAIRED GLUCOSE REGULATION. Identifiers: Orphanet 411590, MedGen C3280358, MONDO:0013673, OMIM 614296.
Wolfram syndrome 1 (WFS1). Identifiers: Orphanet 3463, MedGen C4551693, MONDO:0009101, OMIM 222300.

gnomAD v4.1: 2 of 1,575,670 alleles (0.00013%); no homozygotes.

Submission:

New York Genome Center
Classification: Uncertain significance for Wolfram syndrome 1; Wolfram-like syndrome. Last evaluated: 2021-02-22. Review status: criteria provided, single submitter. Criteria: NYGC Assertion Criteria 2020. Collection method: clinical testing. Allele origin: germline. Observed: 1 heterozygote.
Comment: The heterozygous c.158G>C (p.Gly53Ala) missense variant identified in the WFS1 gene has not been reported in affected individuals in the literature. The variant is absent from the gnomAD(V3) database suggesting it is not a common benign variant in populations represented in that database. The affected residue is weakly conserved and in silico tools predict that the p.Gly53Ala variant may have no effect on normal function(s) of the wolframin protein [CADD score = 9.6, REVEL score = 0.164]. Based on the available evidence, the heterozygous c.158G>C (p.Gly53Ala) missense variant identified in the WFS1 gene is reported as a variant of uncertain significance.

NM_006005.3(WFS1):c.158G>C (p.Gly53Ala)

Gene: WFS1 (wolframin ER transmembrane glycoprotein; plus strand). Cytogenetic location: 4p16.1.
Variant type: single nucleotide variant.
Coding change: c.158G>C on transcript NM_006005.3 (MANE Select); coding-DNA position 158, G replaced by C.
Protein change: p.Gly53Ala; replaces glycine 53 with alanine.
Molecular consequence: missense variant.
Genome position (GRCh38, 1-based): chr4:6,277,613, G>C. VCF-style: chr4-6277613-G-C. GRCh37 (hg19) VCF-style: chr4-6279340-G-C.
Other names: c.158G>C, p.Gly53Ala (NM_001145853.1); short protein forms G53A.
Identifiers: ClinVar variation 1803922 (VCV001803922.2), dbSNP rs2109108045, ClinGen allele CA356169748.
Genomic context (GRCh38, chr4:6,277,613, plus strand): 5'-TGGAGCAGGAGAGGAGCGAAAGGCCCCGAGCACCCGGACCCCAGGCTGGCCCTGGCCCTG[G>C]TGTTAGAGACGCAGCGGCCCCCGCTGAACCCCAGGCCCAGCATACCAGGAGCCGGGAAAG-3'
Protein context (NP_005996.2, residues 43-63): APGPQAGPGP[Gly53Ala]VRDAAAPAEP